The following is an entry in ClinVar:

ClinVar aggregate classification (germline): Uncertain significance (1 of 4 stars; one submission).

Submission:

Labcorp Genetics (formerly Invitae), Labcorp
Classification: Uncertain significance. Last evaluated: 2023-07-29. Review status: criteria provided, single submitter. Criteria: Invitae Variant Classification Sherloc (09022015). Collection method: clinical testing. Allele origin: germline.
Comment: In summary, the available evidence is currently insufficient to determine the role of this variant in disease. Therefore, it has been classified as a Variant of Uncertain Significance. An algorithm developed to predict the effect of missense changes on protein structure and function (PolyPhen-2) suggests that this variant is likely to be disruptive. This variant has not been reported in the literature in individuals affected with ENPP1-related conditions. This variant is not present in population databases (gnomAD no frequency). This sequence change replaces leucine, which is neutral and non-polar, with proline, which is neutral and non-polar, at codon 50 of the ENPP1 protein (p.Leu50Pro).

NM_006208.3(ENPP1):c.149T>C (p.Leu50Pro)

Gene: ENPP1 (ectonucleotide pyrophosphatase/phosphodiesterase 1; plus strand). Cytogenetic location: 6q23.2.
Variant type: single nucleotide variant.
Coding change: c.149T>C on transcript NM_006208.3 (MANE Select); coding-DNA position 149, T replaced by C.
Protein change: p.Leu50Pro; replaces leucine 50 with proline.
Molecular consequence: missense variant.
Genome position (GRCh38, 1-based): chr6:131,808,184, T>C. VCF-style: chr6-131808184-T-C. GRCh37 (hg19) VCF-style: chr6-132129324-T-C.
Other names: short protein forms L50P.
Identifiers: ClinVar variation 2722084 (VCV002722084.3), dbSNP rs2483385585, ClinGen allele CA365662012.
Genomic context (GRCh38, chr6:131,808,184, plus strand): 5'-ATCGGGGCCGCAGCCACGCTGCCGAGGCGCCCGGGGACCCGCAGGCGGCCGCGTCCTTGC[T>C]GGCCCCTATGGACGTGGGGGAGGAGCCGCTGGAGAAGGCGGCGCGCGCCCGCACTGCCAA-3'
Protein context (NP_006199.2, residues 40-60): PGDPQAAASL[Leu50Pro]APMDVGEEPL